The following is an entry in ClinVar:

NM_004655.4(AXIN2):c.1018A>G (p.Ser340Gly)

Gene: AXIN2 (axin 2; minus strand). Cytogenetic location: 17q24.1.
Variant type: single nucleotide variant.
Coding change: c.1018A>G on transcript NM_004655.4 (MANE Select); coding-DNA position 1018, A replaced by G.
Protein change: p.Ser340Gly; replaces serine 340 with glycine.
Molecular consequence: missense variant.
Genome position (GRCh38, 1-based): chr17:65,541,496, T>C on the plus strand (A>G on the coding strand, the complement: AXIN2 is on the minus strand). VCF-style: chr17-65541496-T-C. GRCh37 (hg19) VCF-style: chr17-63537614-T-C.
Other names: c.1018A>G, p.Ser340Gly (NM_001363813.1); short protein forms S340G.
Identifiers: ClinVar variation 3648961 (VCV003648961.3).

ClinVar aggregate classification (germline): Uncertain significance. Review status: criteria provided, multiple submitters, no conflicts (2 of 4 stars). 2 submissions from 2 submitters: Uncertain significance (2). Last evaluated 2025-05-18.

Conditions:
Hereditary cancer-predisposing syndrome. Also called: Neoplastic Syndromes, Hereditary; Tumor predisposition; Hereditary neoplastic syndrome; Hereditary Cancer Syndrome. Identifiers: Orphanet 140162, MedGen C0027672, MeSH D009386, MONDO:0015356.
Oligodontia-cancer predisposition syndrome. Also called: TOOTH AGENESIS-COLORECTAL CANCER SYNDROME. Identifiers: Orphanet 300576, MedGen C1837750, MONDO:0012075, OMIM 608615. Disease mechanism: loss of function.

Submissions (2):

Ambry Genetics
Classification: Uncertain significance for Hereditary cancer-predisposing syndrome. Last evaluated: 2025-05-18. Review status: criteria provided, single submitter. Criteria: Ambry Variant Classification Scheme 2023. Collection method: clinical testing. Allele origin: germline.
Comment: The p.S340G variant (also known as c.1018A>G), located in coding exon 3 of the AXIN2 gene, results from an A to G substitution at nucleotide position 1018. The serine at codon 340 is replaced by glycine, an amino acid with similar properties. This amino acid position is conserved. In addition, the in silico prediction for this alteration is inconclusive. Based on the available evidence, the clinical significance of this variant remains unclear.

Labcorp Genetics (formerly Invitae), Labcorp
Classification: Uncertain significance for Oligodontia-cancer predisposition syndrome. Last evaluated: 2024-04-06. Review status: criteria provided, single submitter. Criteria: Invitae Variant Classification Sherloc (09022015). Collection method: clinical testing. Allele origin: germline.
Comment: This sequence change replaces serine, which is neutral and polar, with glycine, which is neutral and non-polar, at codon 340 of the AXIN2 protein (p.Ser340Gly). This variant is not present in population databases (gnomAD no frequency). This variant has not been reported in the literature in individuals affected with AXIN2-related conditions. Advanced modeling of protein sequence and biophysical properties (such as structural, functional, and spatial information, amino acid conservation, physicochemical variation, residue mobility, and thermodynamic stability) performed at Invitae indicates that this missense variant is not expected to disrupt AXIN2 protein function with a negative predictive value of 80%. In summary, the available evidence is currently insufficient to determine the role of this variant in disease. Therefore, it has been classified as a Variant of Uncertain Significance.